The following is an entry in ClinVar:

ClinVar aggregate classification (germline): Conflicting classifications of pathogenicity. Review status: criteria provided, conflicting classifications (1 of 4 stars). 2 submissions from 2 submitters: Likely pathogenic (1); Uncertain significance (1). Last evaluated 2025-11-10.

Conditions:
Polycystic kidney disease, adult type (PKD1). Also called: Polycystic Kidney Disease 1, Autosomal Dominant; Polycystic kidney disease 1; Polycystic kidney disease 1, severe; POLYCYSTIC KIDNEY DISEASE, ADULT, TYPE I; POLYCYSTIC KIDNEY DISEASE 1 WITH OR WITHOUT POLYCYSTIC LIVER DISEASE; Polycystic Kidney, Autosomal Dominant. Identifiers: MedGen C3149841, MONDO:0008263, OMIM 173900.

Submissions (2):

Victorian Clinical Genetics Services, Murdoch Childrens Research Institute
Classification: Likely pathogenic for Polycystic kidney disease, adult type. Last evaluated: 2025-11-10. Review status: criteria provided, single submitter. Criteria: ACMG Guidelines, 2015. Collection method: clinical testing. Allele origin: germline. Affected: yes.
Comment: This variant is classified as Likely pathogenic. Evidence in support of pathogenic classification: Variant is absent from gnomAD (v2, v3 and v4); Other missense variant(s) comparable to the one identified in this case have very strong previous evidence for pathogenicity. p.(Gly515Arg) and p.(Gly515Trp) have been classified once each as likely pathogenic by clinical laboratories (ClinVar). These variants have also been reported in individuals with autosomal dominant polycystic kidney disease (ADPKD) in the literature (pkdb, PMIDs: 23985799, 23431072, 31740684, 29801666, 29270497); Missense variant predicted to be damaging by in silico tool(s) or highly conserved with a major amino acid change. Additional information: Variant is predicted to result in a missense amino acid change from glycine to valine; This variant is heterozygous; This gene is associated with autosomal dominant disease. Polycystic kidney disease 1 (MIM#173900) is predominantly caused by monoallelic variants, with rare reports of biallelic variants causing disease (OMIM); Previous evidence of pathogenicity for this variant is inconclusive. This variant has been classified once as a VUS by a clinical laboratory (ClinVar); No published segregation evidence has been identified for this variant; No published functional evidence has been identified for this variant; Variant is located in the annotated lectin C-type domain (DECIPHER); Loss of function is a known mechanism of disease in this gene and is associated with polycystic kidney disease 1 (MIM#173900).

ARUP Laboratories, Molecular Genetics and Genomics, ARUP Laboratories
Classification: Uncertain significance for Polycystic kidney disease, adult type. Last evaluated: 2020-03-23. Review status: criteria provided, single submitter. Criteria: ARUP Molecular Germline Variant Investigation Process. Collection method: clinical testing. Allele origin: germline.
Comment: The PKD1 c.1544G>T; p.Gly515Val variant, to our knowledge, is not reported in the medical literature or gene-specific databases. This variant is also absent from general population databases (Exome Variant Server, Genome Aggregation Database), indicating it is not a common polymorphism. The glycine at codon 515 is moderately conserved, and computational analyses (SIFT, PolyPhen-2) predict that this variant is deleterious. Additionally, other amino acid substitutions at this codon (p.Gly515Arg, p.Gly515Trp) have been reported in individuals with autosomal dominant polycystic kidney disease, although they have not been conclusively demonstrated to cause disease (Chang 2013, Cornec-Le Gall 2013). Given the lack of clinical and functional data, the significance of the p.Gly515Val variant is uncertain at this time. References: Chang MY et al. Novel PKD1 and PKD2 mutations in Taiwanese patients with autosomal dominant polycystic kidney disease. J Hum Genet. 2013 Nov;58(11):720-7. Cornec-Le Gall E et al. Type of PKD1 mutation influences renal outcome in ADPKD. J Am Soc Nephrol. 2013 May;24(6):1006-13.

Literature cited by the submitters: PubMed 23431072 (cited by Victorian Clinical Genetics Services, Murdoch Childrens Research Institute); PubMed 23985799 (cited by Victorian Clinical Genetics Services, Murdoch Childrens Research Institute); PubMed 29270497 (cited by Victorian Clinical Genetics Services, Murdoch Childrens Research Institute); PubMed 29801666 (cited by Victorian Clinical Genetics Services, Murdoch Childrens Research Institute); PubMed 31740684 (cited by Victorian Clinical Genetics Services, Murdoch Childrens Research Institute).

NM_001009944.3(PKD1):c.1544G>T (p.Gly515Val)

Gene: PKD1 (polycystin 1, transient receptor potential channel interacting; minus strand). Cytogenetic location: 16p13.3.
Variant type: single nucleotide variant.
Coding change: c.1544G>T on transcript NM_001009944.3 (MANE Select); coding-DNA position 1544, G replaced by T.
Protein change: p.Gly515Val; replaces glycine 515 with valine.
Molecular consequence: missense variant.
Genome position (GRCh38, 1-based): chr16:2,116,895, C>A on the plus strand (G>T on the coding strand, the complement: PKD1 is on the minus strand). VCF-style: chr16-2116895-C-A. GRCh37 (hg19) VCF-style: chr16-2166896-C-A.
Other names: c.1544G>T, p.Gly515Val (NM_000296.4); short protein forms G515V.
Identifiers: ClinVar variation 993684 (VCV000993684.10), dbSNP rs2092647090, ClinGen allele CA394391790.